The following is an entry in ClinVar:

ClinVar aggregate classification (germline): Uncertain significance (1 of 4 stars; one submission).

Submission:

Labcorp Genetics (formerly Invitae), Labcorp
Classification: Uncertain significance. Last evaluated: 2022-08-09. Review status: criteria provided, single submitter. Criteria: Invitae Variant Classification Sherloc (09022015). Collection method: clinical testing. Allele origin: germline.
Comment: This sequence change replaces leucine, which is neutral and non-polar, with proline, which is neutral and non-polar, at codon 143 of the SPARC protein (p.Leu143Pro). In summary, the available evidence is currently insufficient to determine the role of this variant in disease. Therefore, it has been classified as a Variant of Uncertain Significance. Algorithms developed to predict the effect of missense changes on protein structure and function (SIFT, PolyPhen-2, Align-GVGD) all suggest that this variant is likely to be disruptive. This variant has not been reported in the literature in individuals affected with SPARC-related conditions. This variant is not present in population databases (gnomAD no frequency).

NM_003118.4(SPARC):c.428T>C (p.Leu143Pro)

Gene: SPARC (secreted protein acidic and cysteine rich; minus strand). Cytogenetic location: 5q33.1.
Variant type: single nucleotide variant.
Coding change: c.428T>C on transcript NM_003118.4 (MANE Select); coding-DNA position 428, T replaced by C.
Protein change: p.Leu143Pro; replaces leucine 143 with proline.
Molecular consequence: missense variant.
Genome position (GRCh38, 1-based): chr5:151,669,687, A>G on the plus strand (T>C on the coding strand, the complement: SPARC is on the minus strand). VCF-style: chr5-151669687-A-G. GRCh37 (hg19) VCF-style: chr5-151049248-A-G.
Other names: c.425T>C, p.Leu142Pro (NM_001309443.2); c.428T>C, p.Leu143Pro (NM_001309444.2); short protein forms L142P, L143P.
Identifiers: ClinVar variation 2089310 (VCV002089310.4), dbSNP rs2480208507, ClinGen allele CA361833455.